The following is an entry in ClinVar:

ClinVar aggregate classification (germline): Uncertain significance (1 of 4 stars; one submission).

Conditions:
Walker-Warburg congenital muscular dystrophy. Also called: Muscular dystrophy-dystroglycanopathy, type A; Walker-Warburg syndrome. Identifiers: Orphanet 899, MedGen C0265221, MONDO:0000171.

gnomAD v4.1: 1 of 1,605,494 alleles (0.000062%); highest among the groups gnomAD compares: African/African-American, 0.0013%; no homozygotes.

Submission:

Labcorp Genetics (formerly Invitae), Labcorp
Classification: Uncertain significance for Walker-Warburg congenital muscular dystrophy. Last evaluated: 2024-12-06. Review status: criteria provided, single submitter. Criteria: Invitae Variant Classification Sherloc (09022015). Collection method: clinical testing. Allele origin: germline.
Comment: This sequence change replaces arginine, which is basic and polar, with leucine, which is neutral and non-polar, at codon 2 of the FKRP protein (p.Arg2Leu). This variant is not present in population databases (gnomAD no frequency). This variant has not been reported in the literature in individuals affected with FKRP-related conditions. ClinVar contains an entry for this variant (Variation ID: 459240). Invitae Evidence Modeling of protein sequence and biophysical properties (such as structural, functional, and spatial information, amino acid conservation, physicochemical variation, residue mobility, and thermodynamic stability) has been performed for this missense variant. However, the output from this modeling did not meet the statistical confidence thresholds required to predict the impact of this variant on FKRP protein function. In summary, the available evidence is currently insufficient to determine the role of this variant in disease. Therefore, it has been classified as a Variant of Uncertain Significance.

NM_024301.5(FKRP):c.5G>T (p.Arg2Leu)

Gene: FKRP (fukutin related protein; plus strand). Cytogenetic location: 19q13.32.
Variant type: single nucleotide variant.
Coding change: c.5G>T on transcript NM_024301.5 (MANE Select); coding-DNA position 5, G replaced by T.
Protein change: p.Arg2Leu; replaces arginine 2 with leucine.
Molecular consequence: missense variant.
Genome position (GRCh38, 1-based): chr19:46,755,455, G>T. VCF-style: chr19-46755455-G-T. GRCh37 (hg19) VCF-style: chr19-47258712-G-T.
Other names: c.5G>T, p.Arg2Leu (NM_001039885.3); short protein forms R2L.
Identifiers: ClinVar variation 459240 (VCV000459240.8), dbSNP rs1308459613, ClinGen allele CA406494481.